The following is an entry in ClinVar:

NM_014444.5(TUBGCP4):c.1597-11A>G

Gene: TUBGCP4 (tubulin gamma complex component 4; plus strand). Cytogenetic location: 15q15.3.
Variant type: single nucleotide variant.
Coding change: c.1597-11A>G on transcript NM_014444.5 (MANE Select); 11 bases into the intron before coding-DNA position 1597, A replaced by G.
Molecular consequence: intron variant.
Genome position (GRCh38, 1-based): chr15:43,401,705, A>G. VCF-style: chr15-43401705-A-G. GRCh37 (hg19) VCF-style: chr15-43693903-A-G.
Other names: c.1600-11A>G (NM_001286414.3).
Identifiers: ClinVar variation 1520885 (VCV001520885.6), dbSNP rs1471253381, ClinGen allele CA617650306.
Genomic context (GRCh38, chr15:43,401,705, plus strand): 5'-TGTCAGGCATCTTAATGTCTTCGAGTGCTTAGAATATGCAAAGTGCTAAAATTTTTTGTA[A>G]TGTCTATCAGGTAGATGTGTTGGAGTCTCAGTTCTCCCAGCTGCTTCATCAGATCAATTC-3'

ClinVar aggregate classification (germline): Uncertain significance. Review status: criteria provided, multiple submitters, no conflicts (2 of 4 stars). 2 submissions from 2 submitters: Uncertain significance (2). Last evaluated 2023-06-27.

Conditions:
Microcephaly and chorioretinopathy 3. Also called: Microcephaly and chorioretinopathy, autosomal recessive, 3. Identifiers: MedGen C4225362, MONDO:0014592, OMIM 616335.

Allele frequency attached by ClinVar (database versions not stated): gnomAD exomes below 0.00001; gnomAD 0.00001; TOPMed 0.00001.
gnomAD v4.1: 4 of 1,612,190 alleles (0.00025%); highest among the groups gnomAD compares: Admixed American, 0.0017%; no homozygotes.

Submissions (2):

Labcorp Genetics (formerly Invitae), Labcorp
Classification: Uncertain significance. Last evaluated: 2023-06-27. Review status: criteria provided, single submitter. Criteria: Invitae Variant Classification Sherloc (09022015). Collection method: clinical testing. Allele origin: germline.
Comment: This sequence change falls in intron 14 of the TUBGCP4 gene. It does not directly change the encoded amino acid sequence of the TUBGCP4 protein. This variant is present in population databases (no rsID available, gnomAD 0.1%). This variant has not been reported in the literature in individuals affected with TUBGCP4-related conditions. ClinVar contains an entry for this variant (Variation ID: 1520885). Algorithms developed to predict the effect of sequence changes on RNA splicing suggest that this variant may disrupt the consensus splice site. In summary, the available evidence is currently insufficient to determine the role of this variant in disease. Therefore, it has been classified as a Variant of Uncertain Significance.

Broad Center for Mendelian Genomics, Broad Institute of MIT and Harvard
Classification: Uncertain significance for Microcephaly and chorioretinopathy 3. Last evaluated: 2023-05-02. Review status: criteria provided, single submitter. Criteria: ACMG Guidelines, 2015. Collection method: curation. Allele origin: germline. Inheritance: Autosomal recessive inheritance.
Comment: The c.1600-11A>G variant in TUBGCP4 has not been previously reported in individuals. This variant has also been reported in ClinVar (Variation ID: 1520885) and has been interpreted as a variant of uncertain significance by Invitae. This variant was absent from large population studies. This variant is located in the 3‚Äô splice region. Computational tools do suggest an impact to splicing. However, this information is not predictive enough to determine pathogenicity. In summary, the clinical significance of the c.1600-11A>G variant is uncertain. ACMG/AMP Criteria applied: PM2_Supporting, PP3 (Richards 2015).